The following is an entry in ClinVar:

ClinVar aggregate classification (germline): Uncertain significance (1 of 4 stars; one submission).

gnomAD v4.1: 1 of 1,613,896 alleles (0.000062%); highest among the groups gnomAD compares: Non-Finnish European, 0.000085%; no homozygotes.

Submission:

Ambry Genetics
Classification: Uncertain significance. Last evaluated: 2024-10-19. Review status: criteria provided, single submitter. Criteria: Ambry Variant Classification Scheme 2023. Collection method: clinical testing. Allele origin: germline.
Comment: The c.271C>T (p.R91C) alteration is located in exon (coding exon ) of the MPPED1 gene. This alteration results from a C to T substitution at nucleotide position 271, causing the arginine (R) at amino acid position 91 to be replaced by a cysteine (C). Based on insufficient or conflicting evidence, the clinical significance of this alteration remains unclear.

NM_001044370.2(MPPED1):c.271C>T (p.Arg91Cys)

Gene: MPPED1 (metallophosphoesterase domain containing 1; plus strand). Cytogenetic location: 22q13.2.
Variant type: single nucleotide variant.
Coding change: c.271C>T on transcript NM_001044370.2 (MANE Select); coding-DNA position 271, C replaced by T.
Protein change: p.Arg91Cys; replaces arginine 91 with cysteine.
Molecular consequence: missense variant.
Genome position (GRCh38, 1-based): chr22:43,435,080, C>T. VCF-style: chr22-43435080-C-T. GRCh37 (hg19) VCF-style: chr22-43831000-C-T.
Other names: c.271C>T, p.Arg91Cys (NM_001362786.2); short protein forms R91C.
Identifiers: ClinVar variation 3397732 (VCV003397732.1).